The following is an entry in ClinVar:

NM_002691.4(POLD1):c.1045C>A (p.Pro349Thr)

Gene: POLD1 (DNA polymerase delta 1, catalytic subunit; plus strand). Cytogenetic location: 19q13.33.
Variant type: single nucleotide variant.
Coding change: c.1045C>A on transcript NM_002691.4 (MANE Select); coding-DNA position 1045, C replaced by A.
Protein change: p.Pro349Thr; replaces proline 349 with threonine.
Molecular consequence: missense variant. On other transcripts: non-coding transcript variant (1).
Genome position (GRCh38, 1-based): chr19:50,403,127, C>A. VCF-style: chr19-50403127-C-A. GRCh37 (hg19) VCF-style: chr19-50906384-C-A.
Other names: c.1045C>A, p.Pro349Thr (NM_001256849.1, NM_001308632.1, NM_001438210.1 and 3 more transcripts); short protein forms P349T.
Identifiers: ClinVar variation 4141012 (VCV004141012.1).

ClinVar aggregate classification (germline): Uncertain significance (1 of 4 stars; one submission).

Conditions:
Hereditary cancer-predisposing syndrome. Also called: Hereditary neoplastic syndrome; Neoplastic Syndromes, Hereditary; Tumor predisposition; Hereditary Cancer Syndrome. Identifiers: Orphanet 140162, MedGen C0027672, MeSH D009386, MONDO:0015356.

Submission:

Ambry Genetics
Classification: Uncertain significance for Hereditary cancer-predisposing syndrome. Last evaluated: 2025-08-02. Review status: criteria provided, single submitter. Criteria: Ambry Variant Classification Scheme 2023. Collection method: clinical testing. Allele origin: germline.
Comment: The p.P349T variant (also known as c.1045C>A), located in coding exon 8 of the POLD1 gene, results from a C to A substitution at nucleotide position 1045. The proline at codon 349 is replaced by threonine, an amino acid with highly similar properties. This amino acid position is conserved. In addition, this alteration is predicted to be tolerated by in silico analysis. Based on the available evidence, the clinical significance of this variant remains unclear.